The following is an entry in ClinVar:

NM_017617.5(NOTCH1):c.312T>C (p.Asn104=)

Gene: NOTCH1 (notch receptor 1; minus strand). Cytogenetic location: 9q34.3.
Variant type: single nucleotide variant.
Coding change: c.312T>C on transcript NM_017617.5 (MANE Select); coding-DNA position 312, T replaced by C.
Protein change: p.Asn104=; no amino-acid change (asparagine 104 retained).
Molecular consequence: synonymous variant.
Genome position (GRCh38, 1-based): chr9:136,523,808, A>G on the plus strand (T>C on the coding strand, the complement: NOTCH1 is on the minus strand). VCF-style: chr9-136523808-A-G. GRCh37 (hg19) VCF-style: chr9-139418260-A-G.
Other names: p.Asn104=; c.312T>C, p.Asn104= (LRG_1122t1); c.312T>C (NM_017617.4).
Identifiers: ClinVar variation 286142 (VCV000286142.30), dbSNP rs4489420, ClinGen allele CA5342208.

ClinVar aggregate classification (germline): Benign. Review status: criteria provided, multiple submitters, no conflicts (2 of 4 stars). 15 submissions from 14 submitters: Benign (10). 5 of the submissions do not count toward it. Last evaluated 2026-02-04.

Conditions:
Aortic valve disease 1 (AOVD1). Identifiers: MedGen C3887892, MONDO:0024523, OMIM 109730.
Adams-Oliver syndrome 5 (AOS5). Identifiers: Orphanet 974, MedGen C4014970, MONDO:0014459, OMIM 616028.
Familial thoracic aortic aneurysm and aortic dissection (TAAD). Also called: Thoracic aortic aneurysms and dissections. Identifiers: Orphanet 91387, MedGen C4707243, MONDO:0019625.

Allele frequency attached by ClinVar (database versions not stated): gnomAD exomes 0.50980 and 0.58741; ExAC 0.59705; ESP Exome Variant Server 0.60867; gnomAD 0.62688 and 0.62851; TOPMed 0.63700; 1000 Genomes Project 0.74002; 1000 Genomes Project 30x 0.74110.
gnomAD v4.1: 840,818 of 1,610,440 alleles (52%); highest among the groups gnomAD compares: African/African-American, 89%; 231,318 homozygotes.

Submissions (15):

Labcorp Genetics (formerly Invitae), Labcorp
Classification: Benign for Adams-Oliver syndrome 5. Last evaluated: 2026-02-04. Review status: criteria provided, single submitter. Criteria: Invitae Variant Classification Sherloc (09022015). Collection method: clinical testing. Allele origin: germline.

Blueprint Genetics
Classification: Benign. Last evaluated: 2024-11-27. Review status: criteria provided, single submitter. Criteria: ACMG Guidelines, 2015. Collection method: clinical testing. Allele origin: germline.

Women's Health and Genetics/Laboratory Corporation of America, LabCorp
Classification: Benign. Last evaluated: 2023-04-04. Review status: criteria provided, single submitter. Criteria: LabCorp Variant Classification Summary - May 2015. Collection method: clinical testing. Allele origin: germline.

Genome-Nilou Lab
Classification: Benign for Adams-Oliver syndrome 5. Last evaluated: 2021-09-05. Review status: criteria provided, single submitter. Criteria: ACMG Guidelines, 2015. Collection method: clinical testing. Allele origin: germline. Affected: no.

Genome-Nilou Lab
Classification: Benign for Aortic valve disease 1. Last evaluated: 2021-09-05. Review status: criteria provided, single submitter. Criteria: ACMG Guidelines, 2015. Collection method: clinical testing. Allele origin: germline. Affected: no.

Mayo Clinic Laboratories, Mayo Clinic
Classification: Benign. Last evaluated: 2017-11-10. Review status: criteria provided, single submitter. Criteria: ACMG Guidelines, 2015. Collection method: clinical testing. Allele origin: germline. Observed: 1,152 variant alleles.

Eurofins Ntd Llc (ga)
Classification: Benign. Last evaluated: 2016-02-05. Review status: criteria provided, single submitter. Criteria: EGL Classification Definitions 2015. Collection method: clinical testing. Allele origin: germline. Observed: 15 variant alleles, 8 heterozygotes, 7 homozygotes.

GeneDx
Classification: Benign. Last evaluated: 2015-11-18. Review status: criteria provided, single submitter. Criteria: GeneDx Variant Classification (06012015). Collection method: clinical testing. Allele origin: germline. Affected: yes.
Comment: This variant is considered likely benign or benign based on one or more of the following criteria: it is a conservative change, it occurs at a poorly conserved position in the protein, it is predicted to be benign by multiple in silico algorithms, and/or has population frequency not consistent with disease.

Ambry Genetics
Classification: Benign for Familial thoracic aortic aneurysm and aortic dissection. Last evaluated: 2014-12-30. Review status: criteria provided, single submitter. Criteria: Ambry Variant Classification Scheme 2023. Collection method: clinical testing. Allele origin: germline.

Breakthrough Genomics
Classification: Benign. Review status: criteria provided, single submitter. Criteria: ACMG Guidelines, 2015. Collection method: not provided. Allele origin: germline. Inheritance: Autosomal dominant inheritance. Affected: yes.

Clinical Genetics DNA and cytogenetics Diagnostics Lab, Erasmus MC, Erasmus Medical Center
Classification: Benign. Review status: no assertion criteria provided. Collection method: clinical testing. Allele origin: germline. Affected: yes. Study: VKGL Data-share Consensus. Not counted in ClinVar's aggregate classification.

Clinical Genetics, Academic Medical Center
Classification: Benign. Review status: no assertion criteria provided. Collection method: clinical testing. Allele origin: germline. Affected: yes. Study: VKGL Data-share Consensus. Not counted in ClinVar's aggregate classification.

Diagnostic Laboratory, Department of Genetics, University Medical Center Groningen
Classification: Likely benign for Aortic valve disease 1. Review status: no assertion criteria provided. Collection method: clinical testing. Allele origin: germline. Affected: yes. Study: VKGL Data-share Consensus. Not counted in ClinVar's aggregate classification.

Genome Diagnostics Laboratory, Amsterdam University Medical Center
Classification: Benign. Review status: no assertion criteria provided. Collection method: clinical testing. Allele origin: germline. Affected: yes. Study: VKGL Data-share Consensus. Not counted in ClinVar's aggregate classification.

Joint Genome Diagnostic Labs from Nijmegen and Maastricht, Radboudumc and MUMC+
Classification: Benign. Review status: no assertion criteria provided. Collection method: clinical testing. Allele origin: germline. Affected: yes. Study: VKGL Data-share Consensus. Not counted in ClinVar's aggregate classification.

Literature cited by the submitters: PubMed 24943832 (cited by Women's Health and Genetics/Laboratory Corporation of America, LabCorp); PubMed 16614245 (cited by Women's Health and Genetics/Laboratory Corporation of America, LabCorp); PubMed 21670202 (cited by Women's Health and Genetics/Laboratory Corporation of America, LabCorp); PubMed 22210878 (cited by Women's Health and Genetics/Laboratory Corporation of America, LabCorp); PubMed 19635999 (cited by Women's Health and Genetics/Laboratory Corporation of America, LabCorp); PubMed 26837699 (cited by Women's Health and Genetics/Laboratory Corporation of America, LabCorp); PubMed 23086750 (cited by Women's Health and Genetics/Laboratory Corporation of America, LabCorp); PubMed 19245433 (cited by Women's Health and Genetics/Laboratory Corporation of America, LabCorp); PubMed 22077063 (cited by Women's Health and Genetics/Laboratory Corporation of America, LabCorp); PubMed 15472075 (cited by Women's Health and Genetics/Laboratory Corporation of America, LabCorp); PubMed 23734977 (cited by Women's Health and Genetics/Laboratory Corporation of America, LabCorp); PubMed 22858860 (cited by Women's Health and Genetics/Laboratory Corporation of America, LabCorp).